The following is an entry in ClinVar:

NM_001148.6(ANK2):c.8099A>G (p.Asp2700Gly)

Gene: ANK2 (ankyrin 2; plus strand). Cytogenetic location: 4q26.
Variant type: single nucleotide variant.
Coding change: c.8099A>G on transcript NM_001148.6 (MANE Select); coding-DNA position 8099, A replaced by G.
Protein change: p.Asp2700Gly; replaces aspartic acid 2700 with glycine.
Molecular consequence: missense variant. On other transcripts: intron variant (68).
Genome position (GRCh38, 1-based): chr4:113,356,717, A>G. VCF-style: chr4-113356717-A-G. GRCh37 (hg19) VCF-style: chr4-114277873-A-G.
Other names: c.7865A>G, p.Asp2622Gly (NM_001386142.1); c.4499A>G, p.Asp1500Gly (NM_001386166.1); c.8240A>G, p.Asp2747Gly (NM_001386174.1); c.8216A>G, p.Asp2739Gly (NM_001386175.1); c.4412-4106A>G (NM_001386186.2, NM_001386148.2); c.4214-4106A>G (NM_001354269.3); c.4292-4106A>G (NM_001386187.2); c.4253-4106A>G (NM_001386147.1); and 35 more; short protein forms D2622G, D2700G, D1500G, D2739G, D2747G.
Identifiers: ClinVar variation 4711707 (VCV004711707.1).
Genomic context (GRCh38, chr4:113,356,717, plus strand): 5'-GCCTTTTACCAGAACCAGTGATTCGAGTACAACCTCCTTCTCCACTTCCATCAAGCATGG[A>G]CTCCAATTCCAGTCCAGAAGAAGTACAATTCCAGCCTGTCGTTTCCAAACAATATACTTT-3'
Protein context (NP_001139.3, residues 2690-2710): QPPSPLPSSM[Asp2700Gly]SNSSPEEVQF

ClinVar aggregate classification (germline): Uncertain significance (1 of 4 stars; one submission).

Conditions:
Long QT syndrome (LQTS). Identifiers: MedGen C0023976, MeSH D008133, MONDO:0002442. Disease mechanism: loss of function. Inheritance: Various modes of inheritance.

Submission:

Labcorp Genetics (formerly Invitae), Labcorp
Classification: Uncertain significance for Long QT syndrome. Last evaluated: 2025-02-20. Review status: criteria provided, single submitter. Criteria: Invitae Variant Classification Sherloc (09022015). Collection method: clinical testing. Allele origin: germline.
Comment: This sequence change replaces aspartic acid, which is acidic and polar, with glycine, which is neutral and non-polar, at codon 2700 of the ANK2 protein (p.Asp2700Gly). This variant is not present in population databases (gnomAD no frequency). This variant has not been reported in the literature in individuals affected with ANK2-related conditions. An algorithm developed to predict the effect of missense changes on protein structure and function (PolyPhen-2) suggests that this variant is likely to be disruptive. In summary, the available evidence is currently insufficient to determine the role of this variant in disease. Therefore, it has been classified as a Variant of Uncertain Significance.